The following is an entry in ClinVar:

ClinVar aggregate classification (germline): Uncertain significance. Review status: criteria provided, multiple submitters, no conflicts (2 of 4 stars). 3 submissions from 3 submitters: Uncertain significance (2). 1 of the submissions does not count toward it. Last evaluated 2025-09-22.

Conditions:
Achromatopsia. Also called: Rod monochromatism. Identifiers: Orphanet 49382, MedGen C0152200, MONDO:0018852, HP:0011516.
Inborn genetic diseases. Identifiers: MedGen C0950123, MeSH D030342.

Allele frequency attached by ClinVar (database versions not stated): gnomAD exomes 0.00002 and 0.00003; TOPMed 0.00005; ExAC 0.00004; gnomAD 0.00001.
gnomAD v4.1: 12 of 1,613,954 alleles (0.00074%); highest among the groups gnomAD compares: Admixed American, 0.018%; no homozygotes.

Submissions (3):

Ambry Genetics
Classification: Uncertain significance for Inborn genetic diseases. Last evaluated: 2025-09-22. Review status: criteria provided, single submitter. Criteria: Ambry Variant Classification Scheme 2023. Collection method: clinical testing. Allele origin: germline.

Labcorp Genetics (formerly Invitae), Labcorp
Classification: Uncertain significance. Last evaluated: 2024-11-12. Review status: criteria provided, single submitter. Criteria: Invitae Variant Classification Sherloc (09022015). Collection method: clinical testing. Allele origin: germline.
Comment: This sequence change replaces glutamic acid, which is acidic and polar, with lysine, which is basic and polar, at codon 28 of the CNGB3 protein (p.Glu28Lys). This variant is present in population databases (rs752910520, gnomAD 0.03%). This variant has not been reported in the literature in individuals affected with CNGB3-related conditions. ClinVar contains an entry for this variant (Variation ID: 838193). Invitae Evidence Modeling of protein sequence and biophysical properties (such as structural, functional, and spatial information, amino acid conservation, physicochemical variation, residue mobility, and thermodynamic stability) indicates that this missense variant is not expected to disrupt CNGB3 protein function with a negative predictive value of 95%. In summary, the available evidence is currently insufficient to determine the role of this variant in disease. Therefore, it has been classified as a Variant of Uncertain Significance.

Natera, Inc.
Classification: Uncertain significance for Achromatopsia. Last evaluated: 2020-08-14. Review status: no assertion criteria provided. Collection method: clinical testing. Allele origin: germline. Not counted in ClinVar's aggregate classification.

NM_019098.5(CNGB3):c.82G>A (p.Glu28Lys)

Gene: CNGB3 (cyclic nucleotide gated channel subunit beta 3; minus strand). Cytogenetic location: 8q21.3.
Variant type: single nucleotide variant.
Coding change: c.82G>A on transcript NM_019098.5 (MANE Select); coding-DNA position 82, G replaced by A.
Protein change: p.Glu28Lys; replaces glutamic acid 28 with lysine.
Molecular consequence: missense variant.
Genome position (GRCh38, 1-based): chr8:86,743,546, C>T on the plus strand (G>A on the coding strand, the complement: CNGB3 is on the minus strand). VCF-style: chr8-86743546-C-T. GRCh37 (hg19) VCF-style: chr8-87755774-C-T.
Other names: short protein forms E28K.
Identifiers: ClinVar variation 838193 (VCV000838193.8), dbSNP rs752910520, ClinGen allele CA4800536.